The following is an entry in ClinVar:

ClinVar aggregate classification (germline): Uncertain significance (1 of 4 stars; one submission).

gnomAD v4.1: 13 of 1,613,790 alleles (0.00081%); highest among the groups gnomAD compares: African/African-American, 0.017%; no homozygotes.

Submission:

GeneDx
Classification: Uncertain significance. Last evaluated: 2024-10-16. Review status: criteria provided, single submitter. Criteria: GeneDx Variant Classification Process June 2021. Collection method: clinical testing. Allele origin: germline. Affected: yes.
Comment: In silico analysis supports that this missense variant has a deleterious effect on protein structure/function; Has not been previously published as pathogenic or benign to our knowledge

NM_032387.5(WNK4):c.1240C>A (p.Arg414Ser)

Gene: WNK4 (WNK lysine deficient protein kinase 4; plus strand). Cytogenetic location: 17q21.2.
Variant type: single nucleotide variant.
Coding change: c.1240C>A on transcript NM_032387.5 (MANE Select); coding-DNA position 1240, C replaced by A.
Protein change: p.Arg414Ser; replaces arginine 414 with serine.
Molecular consequence: missense variant. On other transcripts: intron variant (1).
Genome position (GRCh38, 1-based): chr17:42,785,166, C>A. VCF-style: chr17-42785166-C-A. GRCh37 (hg19) VCF-style: chr17-40937184-C-A.
Other names: c.252-100C>A (NM_001321299.2); short protein forms R414S.
Identifiers: ClinVar variation 3781260 (VCV003781260.1).